The following is an entry in ClinVar:

ClinVar aggregate classification (germline): Likely benign (0 of 4 stars; one submission).

Conditions:
TENM1-related disorder. Also called: TENM1-related condition.

Allele frequency attached by ClinVar (database versions not stated): gnomAD 0.00001; TOPMed 0.00002; gnomAD exomes 0.00003.
gnomAD v4.1: 37 of 1,203,759 alleles (0.0031%); highest among the groups gnomAD compares: Middle Eastern, 0.092%; no homozygotes.

Submission:

PreventionGenetics, part of Exact Sciences
Classification: Likely benign for TENM1-related condition. Last evaluated: 2020-05-04. Review status: no assertion criteria provided. Collection method: clinical testing. Allele origin: germline.
Comment: This variant is classified as likely benign based on ACMG/AMP sequence variant interpretation guidelines (Richards et al. 2015 PMID: 25741868, with internal and published modifications).

NM_001163278.2(TENM1):c.2445C>T (p.Thr815=)

Gene: TENM1 (teneurin transmembrane protein 1; minus strand). Cytogenetic location: Xq25.
Variant type: single nucleotide variant.
Coding change: c.2445C>T on transcript NM_001163278.2 (MANE Select); coding-DNA position 2445, C replaced by T.
Protein change: p.Thr815=; no amino-acid change (threonine 815 retained).
Molecular consequence: synonymous variant.
Genome position (GRCh38, 1-based): chrX:124,547,080, G>A on the plus strand (C>T on the coding strand, the complement: TENM1 is on the minus strand). VCF-style: chrX-124547080-G-A. GRCh37 (hg19) VCF-style: chrX-123680930-G-A.
Other names: c.2442C>T, p.Thr814= (NM_001163279.1); c.2445C>T, p.Thr815= (NM_014253.3).
Identifiers: ClinVar variation 3055179 (VCV003055179.2), dbSNP rs184762835, ClinGen allele CA335306593.
Genomic context (GRCh38, chrX:124,547,080, plus strand): 5'-CTGGCAGAGAGGACTTATATAACAGTTGCTTTGTTGACAACAGTCAGGATCCACACAGTC[G>A]GTTAAACCATCTGGAAATAAAACCCAAAACCAATATTGATTATTTAGCTTCAAGAGAAAA-3'
Protein context (NP_001156750.1, residues 805-825): DNLDNDGDGL[Thr815=]DCVDPDCCQQ